The following is an entry in ClinVar:

NM_001082971.2(DDC):c.652C>T (p.Arg218Cys)

Gene: DDC (dopa decarboxylase; minus strand). Cytogenetic location: 7p12.1.
Variant type: single nucleotide variant.
Coding change: c.652C>T on transcript NM_001082971.2 (MANE Select); coding-DNA position 652, C replaced by T.
Protein change: p.Arg218Cys; replaces arginine 218 with cysteine.
Molecular consequence: missense variant. On other transcripts: intron variant (2).
Genome position (GRCh38, 1-based): chr7:50,528,199, G>A on the plus strand (C>T on the coding strand, the complement: DDC is on the minus strand). VCF-style: chr7-50528199-G-A. GRCh37 (hg19) VCF-style: chr7-50595897-G-A.
Other names: c.652C>T (NM_000790.3); c.652C>T, p.Arg218Cys (NM_000790.4, NM_001242890.2); c.538C>T, p.Arg180Cys (NM_001242886.2); c.418C>T, p.Arg140Cys (NM_001242888.2); c.435+9661C>T (NM_001242889.2); c.570+1009C>T (NM_001242887.2); short protein forms R140C, R180C, R218C.
Identifiers: ClinVar variation 2120318 (VCV002120318.5), dbSNP rs765007524, ClinGen allele CA367525895.
Genomic context (GRCh38, chr7:50,528,199, plus strand): 5'-AGAAAGGAATCAGGCCAGCCGCTTTGTCTCTCTCCAGGGCTTCCTGCAGGGCAGACGCAC[G>A]CATGGCGAAGTTGCCATCTGAGGGGATGGCTTTTAATTTCACTCCACCAATTAACCCAGC-3'
Protein context (NP_001076440.2, residues 208-228): AIPSDGNFAM[Arg218Cys]ASALQEALER

ClinVar aggregate classification (germline): Uncertain significance. Review status: criteria provided, multiple submitters, no conflicts (2 of 4 stars). 2 submissions from 2 submitters: Uncertain significance (2). Last evaluated 2024-09-26.

Conditions:
Deficiency of aromatic-L-amino-acid decarboxylase. Also called: AADC DEFICIENCY; DDC DEFICIENCY; DOPA DECARBOXYLASE DEFICIENCY; Aromatic L-Amino Acid Decarboxylase Deficiency; Aromatic amino acid decarboxylase deficiency. Identifiers: Orphanet 35708, MedGen C1291564, MONDO:0012084, OMIM 608643.
Inborn genetic diseases. Identifiers: MedGen C0950123, MeSH D030342.

Submissions (2):

Ambry Genetics
Classification: Uncertain significance for Inborn genetic diseases. Last evaluated: 2024-09-26. Review status: criteria provided, single submitter. Criteria: Ambry Variant Classification Scheme 2023. Collection method: clinical testing. Allele origin: germline.

Labcorp Genetics (formerly Invitae), Labcorp
Classification: Uncertain significance for Deficiency of aromatic-L-amino-acid decarboxylase. Last evaluated: 2022-04-01. Review status: criteria provided, single submitter. Criteria: Invitae Variant Classification Sherloc (09022015). Collection method: clinical testing. Allele origin: germline.
Comment: This variant is not present in population databases (gnomAD no frequency). In summary, the available evidence is currently insufficient to determine the role of this variant in disease. Therefore, it has been classified as a Variant of Uncertain Significance. Algorithms developed to predict the effect of missense changes on protein structure and function are either unavailable or do not agree on the potential impact of this missense change (SIFT: "Deleterious"; PolyPhen-2: "Benign"; Align-GVGD: "Class C45"). This variant has not been reported in the literature in individuals affected with DDC-related conditions. This sequence change replaces arginine, which is basic and polar, with cysteine, which is neutral and slightly polar, at codon 218 of the DDC protein (p.Arg218Cys).